The following is an entry in ClinVar:

NM_006389.5(HYOU1):c.652C>T (p.Arg218Trp)

Gene: HYOU1 (hypoxia up-regulated 1; minus strand). Cytogenetic location: 11q23.3.
Variant type: single nucleotide variant.
Coding change: c.652C>T on transcript NM_006389.5 (MANE Select); coding-DNA position 652, C replaced by T.
Protein change: p.Arg218Trp; replaces arginine 218 with tryptophan.
Molecular consequence: missense variant.
Genome position (GRCh38, 1-based): chr11:119,054,520, G>A on the plus strand (C>T on the coding strand, the complement: HYOU1 is on the minus strand). VCF-style: chr11-119054520-G-A. GRCh37 (hg19) VCF-style: chr11-118925232-G-A.
Other names: c.652C>T, p.Arg218Trp (NM_001130991.3); short protein forms R218W.
Identifiers: ClinVar variation 1014063 (VCV001014063.8), dbSNP rs375669306, ClinGen allele CA229647977.

ClinVar aggregate classification (germline): Uncertain significance (1 of 4 stars; one submission).

Allele frequency attached by ClinVar (database versions not stated): gnomAD 0.00004 and 0.00005; TOPMed 0.00004; ESP Exome Variant Server 0.00008.

Submission:

Labcorp Genetics (formerly Invitae), Labcorp
Classification: Uncertain significance. Last evaluated: 2023-05-19. Review status: criteria provided, single submitter. Criteria: Invitae Variant Classification Sherloc (09022015). Collection method: clinical testing. Allele origin: germline.
Comment: In summary, the available evidence is currently insufficient to determine the role of this variant in disease. Therefore, it has been classified as a Variant of Uncertain Significance. An algorithm developed to predict the effect of missense changes on protein structure and function (PolyPhen-2) suggests that this variant is likely to be disruptive. ClinVar contains an entry for this variant (Variation ID: 1014063). This variant has not been reported in the literature in individuals affected with HYOU1-related conditions. This variant is present in population databases (rs375669306, gnomAD 0.02%). This sequence change replaces arginine, which is basic and polar, with tryptophan, which is neutral and slightly polar, at codon 218 of the HYOU1 protein (p.Arg218Trp).